The following is an entry in ClinVar:

NM_030665.4(RAI1):c.4996C>G (p.Leu1666Val)

Gene: RAI1 (retinoic acid induced 1; plus strand). Cytogenetic location: 17p11.2.
Variant type: single nucleotide variant.
Coding change: c.4996C>G on transcript NM_030665.4 (MANE Select); coding-DNA position 4996, C replaced by G.
Protein change: p.Leu1666Val; replaces leucine 1666 with valine.
Molecular consequence: missense variant.
Genome position (GRCh38, 1-based): chr17:17,797,944, C>G. VCF-style: chr17-17797944-C-G. GRCh37 (hg19) VCF-style: chr17-17701258-C-G.
Other names: short protein forms L1666V.
Identifiers: ClinVar variation 1360799 (VCV001360799.12), dbSNP rs150900749, ClinGen allele CA8419081.
Genomic context (GRCh38, chr17:17,797,944, plus strand): 5'-GGGGCCTCCCTGGCCACACTCCCTGGAGGCTCCATCCTGCAGCCGCGGCCCTCCTTGCCC[C>G]TCTCCTCCACGATGCACTTGGGGCCTGTGGTTTCCAAGGCCCTGAGTACCTCTTGCCTTG-3'
Protein context (NP_109590.3, residues 1656-1676): SILQPRPSLP[Leu1666Val]SSTMHLGPVV

ClinVar aggregate classification (germline): Conflicting classifications of pathogenicity. Review status: criteria provided, conflicting classifications (1 of 4 stars). 3 submissions from 3 submitters: Uncertain significance (2); Likely benign (1). Last evaluated 2026-09-14.

Conditions:
Inborn genetic diseases. Identifiers: MedGen C0950123, MeSH D030342.
RAI1-related disorder. Also called: RAI1-related condition.

Allele frequency attached by ClinVar (database versions not stated): ExAC 0.00002; gnomAD 0.00006; ESP Exome Variant Server 0.00008.
gnomAD v4.1: 112 of 1,613,958 alleles (0.0069%); highest among the groups gnomAD compares: Non-Finnish European, 0.0082%; no homozygotes.

Submissions (3):

PreventionGenetics, part of Exact Sciences
Classification: Likely benign for RAI1-related condition. Last evaluated: 2026-09-14. Review status: criteria provided, single submitter. Criteria: ACMG Guidelines, 2015. Collection method: clinical testing. Allele origin: germline.
Comment: This variant is classified as likely benign based on ACMG/AMP sequence variant interpretation guidelines (Richards et al. 2015 PMID: 25741868, with internal and published modifications).

Labcorp Genetics (formerly Invitae), Labcorp
Classification: Uncertain significance. Last evaluated: 2025-12-03. Review status: criteria provided, single submitter. Criteria: Invitae Variant Classification Sherloc (09022015). Collection method: clinical testing. Allele origin: germline.
Comment: This sequence change replaces leucine, which is neutral and non-polar, with valine, which is neutral and non-polar, at codon 1666 of the RAI1 protein (p.Leu1666Val). This variant is present in population databases (rs150900749, gnomAD 0.007%). This variant has not been reported in the literature in individuals affected with RAI1-related conditions. ClinVar contains an entry for this variant (Variation ID: 1360799). Invitae Evidence Modeling of protein sequence and biophysical properties (such as structural, functional, and spatial information, amino acid conservation, physicochemical variation, residue mobility, and thermodynamic stability) indicates that this missense variant is not expected to disrupt RAI1 protein function with a negative predictive value of 80%. In summary, the available evidence is currently insufficient to determine the role of this variant in disease. Therefore, it has been classified as a Variant of Uncertain Significance.

Ambry Genetics
Classification: Uncertain significance for Inborn genetic diseases. Last evaluated: 2018-05-14. Review status: criteria provided, single submitter. Criteria: Ambry Variant Classification Scheme 2023. Collection method: clinical testing. Allele origin: germline.
Comment: The p.L1666V variant (also known as c.4996C>G), located in coding exon 1 of the RAI1 gene, results from a C to G substitution at nucleotide position 4996. The leucine at codon 1666 is replaced by valine, an amino acid with highly similar properties. This amino acid position is highly conserved in available vertebrate species. In addition, this alteration is predicted to be tolerated by in silico analysis. Since supporting evidence is limited at this time, the clinical significance of this alteration remains unclear.